The following is an entry in ClinVar:

ClinVar aggregate classification (germline): Uncertain significance (1 of 4 stars; one submission).

Submission:

Dasa
Classification: Uncertain significance. Last evaluated: 2026-01-22. Review status: criteria provided, single submitter. Criteria: DASA Assertion Criteria. Collection method: clinical testing. Allele origin: germline.
Comment: NM_006922.4(SCN3A):c.3967-271C>G is an intronic variant. This variant is rare in population databases. The currently available literature and clinical evidence are not sufficient to establish a definitive association between this variant and the reported condition. Therefore, this variant is classified as a variant of uncertain significance.

NM_006922.4(SCN3A):c.3967-271C>G

Gene: SCN3A (sodium voltage-gated channel alpha subunit 3; minus strand). Cytogenetic location: 2q24.3.
Variant type: single nucleotide variant.
Coding change: c.3967-271C>G on transcript NM_006922.4 (MANE Select); 271 bases into the intron before coding-DNA position 3967, C replaced by G.
Molecular consequence: intron variant.
Genome position (GRCh38, 1-based): chr2:165,097,795, G>C on the plus strand (C>G on the coding strand, the complement: SCN3A is on the minus strand). VCF-style: chr2-165097795-G-C. GRCh37 (hg19) VCF-style: chr2-165954305-G-C.
Other names: c.3820-271C>G (NM_001081676.2, NM_001081677.2).
Identifiers: ClinVar variation 4885334 (VCV004885334.2).